The following is an entry in ClinVar:

ClinVar aggregate classification (germline): Uncertain significance. Review status: criteria provided, multiple submitters, no conflicts (2 of 4 stars). 4 submissions from 4 submitters: Uncertain significance (2). 2 of the submissions do not count toward it. Last evaluated 2024-02-12.

Conditions:
Inborn genetic diseases. Identifiers: MedGen C0950123, MeSH D030342.
Cohen syndrome (COH1). Also called: PEPPER SYNDROME; Cutis verticis gyrata, retinitis pigmentosa, and sensorineural deafness. Identifiers: Orphanet 193, MedGen C0265223, MONDO:0008999, OMIM 216550.
VPS13B-related disorder. Also called: VPS13B-related condition.

Allele frequency attached by ClinVar (database versions not stated): ExAC 0.00001; gnomAD 0.00001; gnomAD exomes 0.00001; TOPMed 0.00002.
gnomAD v4.1: 21 of 1,614,068 alleles (0.0013%); highest among the groups gnomAD compares: South Asian, 0.0022%; no homozygotes.

Submissions (4):

Ambry Genetics
Classification: Uncertain significance for Inborn genetic diseases. Last evaluated: 2024-02-12. Review status: criteria provided, single submitter. Criteria: Ambry Variant Classification Scheme 2023. Collection method: clinical testing. Allele origin: germline.

Labcorp Genetics (formerly Invitae), Labcorp
Classification: Uncertain significance for Cohen syndrome. Last evaluated: 2022-08-03. Review status: criteria provided, single submitter. Criteria: Invitae Variant Classification Sherloc (09022015). Collection method: clinical testing. Allele origin: germline.
Comment: This sequence change replaces methionine, which is neutral and non-polar, with valine, which is neutral and non-polar, at codon 2089 of the VPS13B protein (p.Met2089Val). This variant is present in population databases (rs200554315, gnomAD 0.003%). This variant has not been reported in the literature in individuals affected with VPS13B-related conditions. ClinVar contains an entry for this variant (Variation ID: 1063458). Algorithms developed to predict the effect of missense changes on protein structure and function output the following: SIFT: "Not Available"; PolyPhen-2: "Benign"; Align-GVGD: "Not Available". The valine amino acid residue is found in multiple mammalian species, which suggests that this missense change does not adversely affect protein function. In summary, the available evidence is currently insufficient to determine the role of this variant in disease. Therefore, it has been classified as a Variant of Uncertain Significance.

PreventionGenetics, part of Exact Sciences
Classification: Uncertain significance for VPS13B-related condition. Last evaluated: 2024-08-30. Review status: no assertion criteria provided. Collection method: clinical testing. Allele origin: germline. Not counted in ClinVar's aggregate classification.
Comment: The VPS13B c.6190A>G variant is predicted to result in the amino acid substitution p.Met2064Val. To our knowledge, this variant has not been reported in the literature. This variant is reported in 0.0033% of alleles in individuals of South Asian descent in gnomAD. At this time, the clinical significance of this variant is uncertain due to the absence of conclusive functional and genetic evidence.

Natera, Inc.
Classification: Uncertain significance for Cohen syndrome. Last evaluated: 2020-09-24. Review status: no assertion criteria provided. Collection method: clinical testing. Allele origin: germline. Not counted in ClinVar's aggregate classification.

NM_152564.5(VPS13B):c.6190A>G (p.Met2064Val)

Gene: VPS13B (vacuolar protein sorting 13 homolog B; plus strand). Cytogenetic location: 8q22.2.
Variant type: single nucleotide variant.
Coding change: c.6190A>G on transcript NM_152564.5 (MANE Select); coding-DNA position 6190, A replaced by G.
Protein change: p.Met2064Val; replaces methionine 2064 with valine.
Molecular consequence: missense variant.
Genome position (GRCh38, 1-based): chr8:99,699,668, A>G. VCF-style: chr8-99699668-A-G. GRCh37 (hg19) VCF-style: chr8-100711896-A-G.
Other names: c.6190A>G (NM_152564.4); c.6265A>G, p.Met2089Val (NM_017890.5); c.6265A>G (NM_017890.3); short protein forms M2064V, M2089V.
Identifiers: ClinVar variation 1063458 (VCV001063458.9), dbSNP rs200554315, ClinGen allele CA4823956.